The following is an entry in ClinVar:

ClinVar aggregate classification (germline): Uncertain significance (1 of 4 stars; one submission).

Conditions:
Desmin-related myofibrillar myopathy (MFM1). Also called: Desminopathy; Desmin related myopathy (former name); Desmin storage myopathy (former name); MYOFIBRILLAR MYOPATHY WITH ARRHYTHMOGENIC RIGHT VENTRICULAR CARDIOMYOPATHY; DESMIN-RELATED MYOPATHY WITH ARRHYTHMOGENIC RIGHT VENTRICULAR CARDIOMYOPATHY; Myofibrillar myopathy 1. Identifiers: Orphanet 363543, Orphanet 98909, MedGen C1832370, MONDO:0011076, OMIM 601419.

Allele frequency attached by ClinVar (database versions not stated): gnomAD exomes below 0.00001.
gnomAD v4.1: 3 of 1,614,034 alleles (0.00019%); highest among the groups gnomAD compares: African/African-American, 0.0013%; no homozygotes.

Submission:

Labcorp Genetics (formerly Invitae), Labcorp
Classification: Uncertain significance for Desmin-related myofibrillar myopathy. Last evaluated: 2025-07-21. Review status: criteria provided, single submitter. Criteria: Invitae Variant Classification Sherloc (09022015). Collection method: clinical testing. Allele origin: germline.
Comment: This sequence change replaces serine, which is neutral and polar, with asparagine, which is neutral and polar, at codon 460 of the DES protein (p.Ser460Asn). This variant is not present in population databases (gnomAD no frequency). This variant has not been reported in the literature in individuals affected with DES-related conditions. ClinVar contains an entry for this variant (Variation ID: 2082240). Invitae Evidence Modeling of protein sequence and biophysical properties (such as structural, functional, and spatial information, amino acid conservation, physicochemical variation, residue mobility, and thermodynamic stability) has been performed for this missense variant. However, the output from this modeling did not meet the statistical confidence thresholds required to predict the impact of this variant on DES protein function. In summary, the available evidence is currently insufficient to determine the role of this variant in disease. Therefore, it has been classified as a Variant of Uncertain Significance.

NM_001927.4(DES):c.1379G>A (p.Ser460Asn)

Gene: DES (desmin; plus strand). Cytogenetic location: 2q35.
Variant type: single nucleotide variant.
Coding change: c.1379G>A on transcript NM_001927.4 (MANE Select); coding-DNA position 1379, G replaced by A.
Protein change: p.Ser460Asn; replaces serine 460 with asparagine.
Molecular consequence: missense variant. On other transcripts: intron variant (1).
Genome position (GRCh38, 1-based): chr2:219,425,956, G>A. VCF-style: chr2-219425956-G-A. GRCh37 (hg19) VCF-style: chr2-220290678-G-A.
Other names: c.1376G>A, p.Ser459Asn (NM_001382708.1); c.947G>A, p.Ser316Asn (NM_001382709.1); c.1310G>A, p.Ser437Asn (NM_001382710.1); c.1358G>A, p.Ser453Asn (NM_001382711.1); c.1109G>A, p.Ser370Asn (NM_001382713.1); c.1371+211G>A (NM_001382712.1); short protein forms S316N, S453N, S459N, S437N, S460N, S370N.
Identifiers: ClinVar variation 2082240 (VCV002082240.4), dbSNP rs267607491, ClinGen allele CA350698956.